The following is an entry in ClinVar:

NM_000489.6(ATRX):c.565C>T (p.His189Tyr)

Gene: ATRX (ATRX chromatin remodeler; minus strand). Cytogenetic location: Xq21.1.
Variant type: single nucleotide variant.
Coding change: c.565C>T on transcript NM_000489.6 (MANE Select); coding-DNA position 565, C replaced by T.
Protein change: p.His189Tyr; replaces histidine 189 with tyrosine.
Molecular consequence: missense variant.
Genome position (GRCh38, 1-based): chrX:77,688,847, G>A on the plus strand (C>T on the coding strand, the complement: ATRX is on the minus strand). VCF-style: chrX-77688847-G-A. GRCh37 (hg19) VCF-style: chrX-76944340-G-A.
Other names: c.451C>T, p.His151Tyr (NM_138270.5); short protein forms H151Y, H189Y.
Identifiers: ClinVar variation 1679127 (VCV001679127.1), dbSNP rs2148656473, ClinGen allele CA413722496.

ClinVar aggregate classification (germline): Likely pathogenic (1 of 4 stars; one submission).

Conditions:
Alpha thalassemia-X-linked intellectual disability syndrome (ATRX). Also called: ALPHA-THALASSEMIA/MENTAL RETARDATION SYNDROME, X-LINKED; ATR, NONDELETION TYPE; X-linked alpha-thalassemia-mental retardation syndrome; ATR-X syndrome; Alpha thalassemia mental retardation syndrome, nondeletion type, X-linked; XLMR hypotonic face syndrome. Identifiers: Orphanet 847, MedGen C1845055, MONDO:0010519, OMIM 301040.

Submission:

Institute of Human Genetics, University of Leipzig Medical Center
Classification: Likely pathogenic for Alpha thalassemia-X-linked intellectual disability syndrome. Last evaluated: 2022-04-22. Review status: criteria provided, single submitter. Criteria: ACMG Guidelines, 2015. Collection method: clinical testing. Allele origin: unknown. Affected: yes.
Comment: This variant was identified as hemizygous._x000D_ Criteria applied: PM5_STR, PM2_SUP, PP1, PP3